The following is an entry in ClinVar:

ClinVar aggregate classification (germline): Uncertain significance (1 of 4 stars; one submission).

Submission:

GeneDx
Classification: Uncertain significance. Last evaluated: 2024-04-11. Review status: criteria provided, single submitter. Criteria: GeneDx Variant Classification Process June 2021. Collection method: clinical testing. Allele origin: germline. Affected: yes.
Comment: Not observed at significant frequency in large population cohorts (gnomAD); In silico analysis indicates that this missense variant does not alter protein structure/function; Has not been previously published as pathogenic or benign to our knowledge

NM_015021.3(ZNF292):c.7378G>C (p.Asp2460His)

Gene: ZNF292 (zinc finger protein 292; plus strand). Cytogenetic location: 6q14.3.
Variant type: single nucleotide variant.
Coding change: c.7378G>C on transcript NM_015021.3 (MANE Select); coding-DNA position 7378, G replaced by C.
Protein change: p.Asp2460His; replaces aspartic acid 2460 with histidine.
Molecular consequence: missense variant.
Genome position (GRCh38, 1-based): chr6:87,261,007, G>C. VCF-style: chr6-87261007-G-C. GRCh37 (hg19) VCF-style: chr6-87970725-G-C.
Other names: c.6958G>C, p.Asp2320His (NM_001351444.2); short protein forms D2320H, D2460H.
Identifiers: ClinVar variation 3372451 (VCV003372451.1).